The following is an entry in ClinVar:

NM_001374828.1(ARID1B):c.6344C>T (p.Pro2115Leu)

Gene: ARID1B (AT-rich interaction domain 1B; plus strand). Cytogenetic location: 6q25.3.
Variant type: single nucleotide variant.
Coding change: c.6344C>T on transcript NM_001374828.1 (MANE Select); coding-DNA position 6344, C replaced by T.
Protein change: p.Pro2115Leu; replaces proline 2115 with leucine.
Molecular consequence: missense variant.
Genome position (GRCh38, 1-based): chr6:157,207,116, C>T. VCF-style: chr6-157207116-C-T. GRCh37 (hg19) VCF-style: chr6-157528250-C-T.
Other names: c.3845C>T, p.Pro1282Leu (NM_001363725.2); c.6224C>T, p.Pro2075Leu (NM_001371656.1, NM_001374820.1); c.6185C>T, p.Pro2062Leu (NM_017519.3); c.5975C>T (NM_020732.3); short protein forms P1282L, P2062L, P2075L, P2115L.
Identifiers: ClinVar variation 1312326 (VCV001312326.15), dbSNP rs368420323, ClinGen allele CA4067998.

ClinVar aggregate classification (germline): Conflicting classifications of pathogenicity. Review status: criteria provided, conflicting classifications (1 of 4 stars). 4 submissions from 4 submitters: Uncertain significance (2); Likely benign (2). Last evaluated 2025-05-01.

Conditions:
Coffin-Siris syndrome 1 (CSS1). Also called: ARID1B-Related Coffin-Siris Syndrome; Mental retardation, autosomal dominant 12. Identifiers: Orphanet 1465, MedGen C3281201, MONDO:0007617, OMIM 135900. Disease mechanism: gain of function.

Allele frequency attached by ClinVar (database versions not stated): gnomAD exomes below 0.00001 and 0.00002; ExAC 0.00001; gnomAD 0.00003; ESP Exome Variant Server 0.00008.
gnomAD v4.1: 39 of 1,614,040 alleles (0.0024%); highest among the groups gnomAD compares: East Asian, 0.0089%; no homozygotes.

Submissions (4):

CeGaT Center for Human Genetics Tuebingen
Classification: Likely benign. Last evaluated: 2025-05-01. Review status: criteria provided, single submitter. Criteria: CeGaT Center For Human Genetics Tuebingen Variant Classification Criteria Version 2. Collection method: clinical testing. Allele origin: germline. Affected: yes. Observed: 1 variant allele.
Comment: ARID1B: BS1

Labcorp Genetics (formerly Invitae), Labcorp
Classification: Likely benign. Last evaluated: 2025-04-28. Review status: criteria provided, single submitter. Criteria: Invitae Variant Classification Sherloc (09022015). Collection method: clinical testing. Allele origin: germline.

Revvity Omics, Revvity
Classification: Uncertain significance for Coffin-Siris syndrome 1. Last evaluated: 2021-09-29. Review status: criteria provided, single submitter. Criteria: ACMG Guidelines, 2015. Collection method: clinical testing. Allele origin: germline.

GeneDx
Classification: Uncertain significance. Last evaluated: 2019-09-17. Review status: criteria provided, single submitter. Criteria: GeneDx Variant Classification Process June 2021. Collection method: clinical testing. Allele origin: germline. Affected: yes.
Comment: In silico analysis, which includes protein predictors and evolutionary conservation, supports a deleterious effect; Has not been previously published as pathogenic or benign to our knowledge; This variant is associated with the following publications: (PMID: 28191889)